The following is an entry in ClinVar:

ClinVar aggregate classification (germline): Uncertain significance (1 of 4 stars; one submission).

Conditions:
Inborn genetic diseases. Identifiers: MedGen C0950123, MeSH D030342.

gnomAD v4.1: 5 of 1,610,344 alleles (0.00031%); highest among the groups gnomAD compares: Non-Finnish European, 0.00034%; no homozygotes.

Submission:

Ambry Genetics
Classification: Uncertain significance for Inborn genetic diseases. Last evaluated: 2026-02-25. Review status: criteria provided, single submitter. Criteria: Ambry Variant Classification Scheme 2023. Collection method: clinical testing. Allele origin: germline.
Comment: The c.166G>T (p.G56W) alteration is located in exon 3 (coding exon 3) of the EHMT1 gene. This alteration results from a G to T substitution at nucleotide position 166, causing the glycine (G) at amino acid position 56 to be replaced by a tryptophan (W). Based on data from gnomAD, the T allele has an overall frequency of 0.003% (1/31266) total alleles studied. The highest observed frequency was 0.007% (1/15384) of European (non-Finnish) alleles. Based on insufficient or conflicting evidence, the clinical significance of this alteration remains unclear.

NM_024757.5(EHMT1):c.166G>T (p.Gly56Trp)

Gene: EHMT1 (euchromatic histone lysine methyltransferase 1; plus strand). Cytogenetic location: 9q34.3.
Variant type: single nucleotide variant.
Coding change: c.166G>T on transcript NM_024757.5 (MANE Select); coding-DNA position 166, G replaced by T.
Protein change: p.Gly56Trp; replaces glycine 56 with tryptophan.
Molecular consequence: missense variant.
Genome position (GRCh38, 1-based): chr9:137,716,706, G>T. VCF-style: chr9-137716706-G-T. GRCh37 (hg19) VCF-style: chr9-140611158-G-T.
Other names: c.166G>T, p.Gly56Trp (NM_001145527.2, NM_001354263.2, NM_001354611.2); c.73G>T, p.Gly25Trp (NM_001354259.2, NM_001354612.2); short protein forms G56W, G25W.
Identifiers: ClinVar variation 4828150 (VCV004828150.1).